The following is an entry in ClinVar:

NM_007294.4(BRCA1):c.4992C>T (p.Leu1664=)

Gene: BRCA1 (BRCA1 DNA repair associated; minus strand). Cytogenetic location: 17q21.31.
Variant type: single nucleotide variant.
Coding change: c.4992C>T on transcript NM_007294.4 (MANE Select); coding-DNA position 4992, C replaced by T.
Protein change: p.Leu1664=; no amino-acid change (leucine 1664 retained).
Molecular consequence: synonymous variant. On other transcripts: intron variant (1).
Genome position (GRCh38, 1-based): chr17:43,067,690, G>A on the plus strand (C>T on the coding strand, the complement: BRCA1 is on the minus strand). VCF-style: chr17-43067690-G-A. GRCh37 (hg19) VCF-style: chr17-41219707-G-A.
Other names: p.L1664L:CTC>CTT; c.4989C>T, p.Leu1663= (NM_001407611.1, NM_001407612.1, NM_001407613.1 and 17 more transcripts); c.4986C>T, p.Leu1662= (NM_001407627.1, NM_001407628.1, NM_001407629.1 and 14 more transcripts); c.4983C>T, p.Leu1661= (NM_001407644.1, NM_001407645.1); c.4980C>T, p.Leu1660= (NM_001407646.1); c.4977C>T, p.Leu1659= (NM_001407647.1); c.4935C>T, p.Leu1645= (NM_001407648.1); c.4932C>T, p.Leu1644= (NM_001407649.1); and 72 more.
Identifiers: ClinVar variation 136551 (VCV000136551.53), dbSNP rs142459158, ClinGen allele CA003142.
Genomic context (GRCh38, chr17:43,067,690, plus strand): 5'-AGTCTCTTCAGTAATTAGATTAGTTAAAGTGATGTGGTGTTTTCTGGCAAACTTGTACAC[G>A]AGCATCTGAAATTAAATCAAATATTCCATTATCATGAGTTACCTCTAGCACACAGCTCAG-3'
Protein context (NP_009225.1, residues 1654-1674): VSGLTPEEFM[Leu1664=]VYKFARKHHI

ClinVar aggregate classification (germline): Benign. Review status: reviewed by expert panel (3 of 4 stars). 20 submissions from 20 submitters: Benign (1). 19 of the submissions do not count toward it. Last evaluated 2017-06-29.

Conditions:
BRCA1-related disorder. Also called: BRCA1-related condition.
Hereditary cancer-predisposing syndrome. Also called: Tumor predisposition; Hereditary neoplastic syndrome; Hereditary Cancer Syndrome; Neoplastic Syndromes, Hereditary. Identifiers: Orphanet 140162, MedGen C0027672, MeSH D009386, MONDO:0015356.
Hereditary breast ovarian cancer syndrome. Also called: Hereditary breast and ovarian cancer; Hereditary breast and/or ovarian cancer syndrome; BRCA1- and BRCA2-Associated Hereditary Breast and Ovarian Cancer; Hereditary breast and ovarian cancer syndrome (HBOC); Hereditary breast and ovarian cancer syndrome; Breast and ovarian cancer. Identifiers: Orphanet 145, MedGen C0677776, MeSH D061325, MONDO:0003582. Disease mechanism: loss of function.
Breast-ovarian cancer, familial, susceptibility to, 1 (BROVCA1). Also called: BRCA1 Hereditary Breast and Ovarian Cancer; OVARIAN CANCER, SUSCEPTIBILITY TO. Identifiers: Orphanet 145, MedGen C2676676, MONDO:0011450, OMIM 604370. Disease mechanism: loss of function.
Familial cancer of breast. Also called: Hereditary breast cancer; hereditary breast carcinoma; BREAST CANCER, FAMILIAL. Identifiers: Orphanet 227535, MedGen C0346153, MONDO:0016419, OMIM 114480. Disease mechanism: loss of function.
Malignant tumor of breast. Also called: Cancer breast; Malignant breast neoplasm. Identifiers: MedGen C0006142, MONDO:0007254. Disease mechanism: loss of function.

Allele frequency attached by ClinVar (database versions not stated): gnomAD exomes 0.00011; ExAC 0.00012; 1000 Genomes Project 0.00020; gnomAD 0.00052 and 0.00061; ESP Exome Variant Server 0.00062; TOPMed 0.00064.
gnomAD v4.1: 163 of 1,610,376 alleles (0.01%); highest among the groups gnomAD compares: African/African-American, 0.19%; no homozygotes.

Submissions 1 to 17 of 21:

Evidence-based Network for the Interpretation of Germline Mutant Alleles (ENIGMA)
Classification: Benign for Breast-ovarian cancer, familial, susceptibility to, 1. Last evaluated: 2017-06-29. Review status: reviewed by expert panel. Criteria: ENIGMA BRCA1/2 Classification Criteria (2017-06-29). Collection method: curation. Allele origin: germline.
Comment: Synonymous substitution variant, with low bioinformatic likelihood to alter mRNA splicing (splicing prior 0.02) and frequency 0.0012 (African), derived from ExAC (2014-12-17).

Labcorp Genetics (formerly Invitae), Labcorp
Classification: Benign for Hereditary breast ovarian cancer syndrome. Last evaluated: 2026-01-30. Review status: criteria provided, single submitter. Criteria: Invitae Variant Classification Sherloc (09022015). Collection method: clinical testing. Allele origin: germline. Not counted in ClinVar's aggregate classification.

CeGaT Center for Human Genetics Tuebingen
Classification: Likely benign. Last evaluated: 2025-10-01. Review status: criteria provided, single submitter. Criteria: CeGaT Center For Human Genetics Tuebingen Variant Classification Criteria Version 2. Collection method: clinical testing. Allele origin: germline. Affected: yes. Observed: 1 variant allele. Not counted in ClinVar's aggregate classification.
Comment: BRCA1: BP4, BP7

ARUP Laboratories, Molecular Genetics and Genomics, ARUP Laboratories
Classification: Benign. Last evaluated: 2025-05-21. Review status: criteria provided, single submitter. Criteria: ARUP Molecular Germline Variant Investigation Process 2024. Collection method: clinical testing. Allele origin: germline. Not counted in ClinVar's aggregate classification.

Institute for Biomarker Research, Medical Diagnostic Laboratories, L.L.C.
Classification: Likely benign for Hereditary breast ovarian cancer syndrome. Last evaluated: 2023-01-24. Review status: criteria provided, single submitter. Criteria: ACMG Guidelines, 2015. Collection method: clinical testing. Allele origin: germline. Not counted in ClinVar's aggregate classification.

Blueprint Genetics
Classification: Likely benign. Last evaluated: 2022-07-13. Review status: criteria provided, single submitter. Criteria: ACMG Guidelines, 2015. Collection method: clinical testing. Allele origin: germline. Not counted in ClinVar's aggregate classification.

Sema4
Classification: Benign for Hereditary cancer-predisposing syndrome. Last evaluated: 2020-11-26. Review status: criteria provided, single submitter. Criteria: Sema4 Curation Guidelines. Collection method: curation. Allele origin: germline. Not counted in ClinVar's aggregate classification.

Mayo Clinic Laboratories, Mayo Clinic
Classification: Uncertain significance. Last evaluated: 2020-10-19. Review status: criteria provided, single submitter. Criteria: ACMG Guidelines, 2015. Collection method: clinical testing. Allele origin: germline. Observed: 2 variant alleles. Not counted in ClinVar's aggregate classification.

Women's Health and Genetics/Laboratory Corporation of America, LabCorp
Classification: Benign. Last evaluated: 2018-12-10. Review status: criteria provided, single submitter. Criteria: LabCorp Variant Classification Summary - May 2015. Collection method: clinical testing. Allele origin: germline. Not counted in ClinVar's aggregate classification.
Comment: Variant summary: The variant, BRCA1 c.4992C>T alters a non-conserved nucleotide resulting in a synonymous change. 5/5 computational tools predict no significant impact on normal splicing. The variant allele was found at a frequency of 0.00016 in 279004 control chromosomes, predominantly at a frequency of 0.0015 within the African subpopulation in the gnomAD database. The observed variant frequency within African control individuals in the gnomAD database is approximately 1.5-fold of the estimated maximal expected allele frequency for a pathogenic variant in BRCA1 causing Hereditary Breast and Ovarian Cancer phenotype (0.001), strongly suggesting that the variant is a benign polymorphism found primarily in populations of African origin. The variant, c.4992C>T, has been reported in the literature in individuals affected with Hereditary Breast and Ovarian Cancer (Judkins _2005, Fackenthal _2012, Zheng _2018). These reports do not provide unequivocal conclusions about association of the variant with Hereditary Breast and Ovarian Cancer. At least one publication reports experimental evidence evaluating an impact on protein function, but without a conclussive result (Findlay _2018). Six clinical diagnostic laboratories have submitted clinical-significance assessments for this variant to ClinVar after 2014 without evidence for independent evaluation. All laboratories classified the variant as benign/likely benign. Based on the evidence outlined above, the variant was classified as benign.

Genetic Services Laboratory, University of Chicago
Classification: Likely benign. Last evaluated: 2018-02-09. Review status: criteria provided, single submitter. Criteria: ACMG Guidelines, 2015. Collection method: clinical testing. Allele origin: germline. Affected: no. Not counted in ClinVar's aggregate classification.

Baylor Genetics
Classification: Benign for Familial cancer of breast. Last evaluated: 2017-02-23. Review status: criteria provided, single submitter. Criteria: ACMG Guidelines, 2015. Collection method: clinical testing. Allele origin: germline. Inheritance: Autosomal dominant inheritance. Affected: no. Not counted in ClinVar's aggregate classification.

Color Diagnostics, LLC DBA Color Health
Classification: Benign for Hereditary cancer-predisposing syndrome. Last evaluated: 2016-05-09. Review status: criteria provided, single submitter. Criteria: ACMG Guidelines, 2015. Collection method: clinical testing. Allele origin: germline. Not counted in ClinVar's aggregate classification.

Ambry Genetics
Classification: Likely benign for Hereditary cancer-predisposing syndrome. Last evaluated: 2014-09-26. Review status: criteria provided, single submitter. Criteria: Ambry Variant Classification Scheme 2023. Collection method: clinical testing. Allele origin: germline. Not counted in ClinVar's aggregate classification.

GeneDx
Classification: Benign. Last evaluated: 2014-02-05. Review status: criteria provided, single submitter. Criteria: GeneDx Variant Classification (06012015). Collection method: clinical testing. Allele origin: germline. Affected: yes. Not counted in ClinVar's aggregate classification.
Comment: This variant is considered likely benign or benign based on one or more of the following criteria: it is a conservative change, it occurs at a poorly conserved position in the protein, it is predicted to be benign by multiple in silico algorithms, and/or has population frequency not consistent with disease.

PreventionGenetics, part of Exact Sciences
Classification: Likely benign for BRCA1-related condition. Last evaluated: 2021-05-18. Review status: no assertion criteria provided. Collection method: clinical testing. Allele origin: germline. Not counted in ClinVar's aggregate classification.
Comment: This variant is classified as likely benign based on ACMG/AMP sequence variant interpretation guidelines (Richards et al. 2015 PMID: 25741868, with internal and published modifications).

King Laboratory, University of Washington
Classification: Pathogenic for Hereditary breast and ovarian cancer syndrome; Breast-ovarian cancer, familial 1. Last evaluated: 2019-09-01. Review status: no assertion criteria provided. Collection method: research. Allele origin: germline. Affected: yes. Not counted in ClinVar's aggregate classification.
Comment: Transcript analysis by cBROCA

Counsyl
Classification: Likely benign for Breast-ovarian cancer, familial, susceptibility to, 1. Last evaluated: 2016-04-28. Review status: no assertion criteria provided. Collection method: clinical testing. Allele origin: unknown. Not counted in ClinVar's aggregate classification.